The following is an entry in ClinVar:

NM_000371.4(TTR):c.220G>C (p.Glu74Gln)

Gene: TTR (transthyretin; plus strand). Cytogenetic location: 18q12.1.
Variant type: single nucleotide variant.
Coding change: c.220G>C on transcript NM_000371.4 (MANE Select); coding-DNA position 220, G replaced by C.
Protein change: p.Glu74Gln; replaces glutamic acid 74 with glutamine.
Molecular consequence: missense variant.
Genome position (GRCh38, 1-based): chr18:31,595,139, G>C. VCF-style: chr18-31595139-G-C. GRCh37 (hg19) VCF-style: chr18-29175102-G-C.
Other names: short protein forms E74Q.
Identifiers: ClinVar variation 448842 (VCV000448842.11), dbSNP rs1555631393, ClinGen allele CA402156925.
Genomic context (GRCh38, chr18:31,595,139, plus strand): 5'-TCCTCCATGCGTAACTTAATCCAGACTTTCACACCTTATAGGAAAACCAGTGAGTCTGGA[G>C]AGCTGCATGGGCTCACAACTGAGGAGGAATTTGTAGAAGGGATATACAAAGTGGAAATAG-3'
Protein context (NP_000362.1, residues 64-84): FASGKTSESG[Glu74Gln]LHGLTTEEEF

ClinVar aggregate classification (germline): Pathogenic. Review status: criteria provided, multiple submitters, no conflicts (2 of 4 stars). 3 submissions from 3 submitters: Pathogenic (3). Last evaluated 2025-08-19.

Conditions:
Cardiovascular phenotype. Identifiers: MedGen CN230736.
Amyloidosis, hereditary systemic 1 (AMYLD1). Also called: Isolated Cardiac Amyloidosis; Amyloid Cardiomyopathy, Transthyretin-related; Familial amyloid polyneuropathy; Transthyretin Amyloidosis; AMYLOID CARDIOMYOPATHY; Hereditary oculoleptomeningeal amyloid angiopathy. Identifiers: Orphanet 85447, Orphanet 85451, MedGen C2751492, MONDO:0971004, OMIM 105210.

Submissions (3):

Ambry Genetics
Classification: Pathogenic for Cardiovascular phenotype. Last evaluated: 2025-08-19. Review status: criteria provided, single submitter. Criteria: Ambry Variant Classification Scheme 2023. Collection method: clinical testing. Allele origin: germline.
Comment: The p.E74Q pathogenic mutation (also known as c.220G>C), located in coding exon 3 of the TTR gene, results from a G to C substitution at nucleotide position 220. The glutamic acid at codon 74 is replaced by glutamine, an amino acid with highly similar properties. This variant was identified in one or more individuals (common in the Romanian population) with features consistent with hereditary transthyretin-related amyloidosis, and segregated with disease in at least one family (Torres-Courchoud I et al. Rev Esp Cardiol (Engl Ed), 2017 Apr;70:297-299; He S et al. Orphanet J Rare Dis, 2019 Nov;14:251; Jercan A et al. Amyloid, 2019;26:31-32; Jercan A et al. Orphanet J Rare Dis, 2020 Jan;15:34; Fang T et al. J Clin Med, 2021 Jul;10; Fortuna A et al. J Neurol Sci, 2022 Jun;437:120264; Neculae G et al. ESC Heart Fail, 2024 Oct;11:2825-2834; Ioannou A et al. JAMA Cardiol, 2025 Jan;10:50-58; Neculae G et al. Int J Cardiol, 2025 Jan;419:132714). Note, this variant is also referred to as Glu54Gln in the literature. This amino acid position is highly conserved in available vertebrate species. In addition, this alteration is predicted to be deleterious by in silico analysis. This variant is considered to be rare based on population cohorts in the Genome Aggregation Database (gnomAD). Based on the supporting evidence, this variant is interpreted as a disease-causing mutation.

Athena Diagnostics
Classification: Pathogenic. Last evaluated: 2025-02-06. Review status: criteria provided, single submitter. Criteria: Athena Diagnostics Criteria. Collection method: clinical testing. Allele origin: unknown.
Comment: This variant has not been reported in large, multi-ethnic general populations. This variant has been identified in multiple unrelated individuals with clinical features associated with this gene. In some published literature, this variant is referred to as p.Glu54Gln. Polyphen and MutationTaster predict this amino acid change may be damaging to the protein.

Labcorp Genetics (formerly Invitae), Labcorp
Classification: Pathogenic for Amyloidosis, hereditary systemic 1. Last evaluated: 2021-09-08. Review status: criteria provided, single submitter. Criteria: Invitae Variant Classification Sherloc (09022015). Collection method: clinical testing. Allele origin: germline.
Comment: This missense change has been observed in individual(s) with hereditary transthyretin-mediated amyloidosis (hATTR amyloidosis) (PMID: 25044787, 27519456, 31718691, 32000831). This variant is not present in population databases (ExAC no frequency). This sequence change replaces glutamic acid with glutamine at codon 74 of the TTR protein (p.Glu74Gln). The glutamic acid residue is highly conserved and there is a small physicochemical difference between glutamic acid and glutamine. This variant is also known as Glu54Gln. For these reasons, this variant has been classified as Pathogenic. This variant disrupts the p.Glu74 amino acid residue in TTR. Other variant(s) that disrupt this residue have been determined to be pathogenic (Invitae). This suggests that this residue is clinically significant, and that variants that disrupt this residue are likely to be disease-causing. Advanced modeling of protein sequence and biophysical properties (such as structural, functional, and spatial information, amino acid conservation, physicochemical variation, residue mobility, and thermodynamic stability) performed at Invitae indicates that this missense variant is expected to disrupt TTR protein function. ClinVar contains an entry for this variant (Variation ID: 448842).

Literature cited by the submitters: PubMed 27519456 (cited by Ambry Genetics and Labcorp Genetics (formerly Invitae), Labcorp); PubMed 31343281 (cited by Ambry Genetics and Athena Diagnostics); PubMed 31718691 (cited by 3 submitters); PubMed 32000831 (cited by Ambry Genetics and Labcorp Genetics (formerly Invitae), Labcorp); PubMed 34362124 (cited by Ambry Genetics and Athena Diagnostics); PubMed 35460948 (cited by Ambry Genetics and Athena Diagnostics); PubMed 38757395 (cited by Ambry Genetics and Athena Diagnostics); PubMed 39521178 (cited by Ambry Genetics); PubMed 39550765 (cited by Ambry Genetics and Athena Diagnostics); PubMed 37365282 (cited by Athena Diagnostics); PubMed 36611375 (cited by Athena Diagnostics); PubMed 39768907 (cited by Athena Diagnostics); PubMed 37216684 (cited by Athena Diagnostics); PubMed 37552555 (cited by Athena Diagnostics); PubMed 37329346 (cited by Athena Diagnostics); PubMed 38598143 (cited by Athena Diagnostics); PubMed 35273438 (cited by Athena Diagnostics); PubMed 37004943 (cited by Athena Diagnostics); PubMed 39575713 (cited by Athena Diagnostics); PubMed 32578459 (cited by Athena Diagnostics); PubMed 39505313 (cited by Athena Diagnostics); PubMed 25044787 (cited by Labcorp Genetics (formerly Invitae), Labcorp).